The following is an entry in ClinVar:

ClinVar aggregate classification (germline): Uncertain significance. Review status: criteria provided, multiple submitters, no conflicts (2 of 4 stars). 2 submissions from 2 submitters: Uncertain significance (2). Last evaluated 2025-10-23.

Conditions:
Cardiovascular phenotype. Identifiers: MedGen CN230736.
Brugada syndrome. Also called: Sudden unexpected nocturnal death syndrome; Sudden Unexplained Death Syndrome; Sudden unexplained nocturnal death syndrome; Sudden Unexplained Nocturnal Death Syndrome (SUNDS). Identifiers: Orphanet 130, MedGen C1142166, MONDO:0015263.

Allele frequency attached by ClinVar (database versions not stated): gnomAD exomes below 0.00001; TOPMed below 0.00001.
gnomAD v4.1: 3 of 1,573,176 alleles (0.00019%); highest among the groups gnomAD compares: African/African-American, 0.0014%; no homozygotes.

Submissions (2):

Labcorp Genetics (formerly Invitae), Labcorp
Classification: Uncertain significance for Brugada syndrome. Last evaluated: 2025-10-23. Review status: criteria provided, single submitter. Criteria: Invitae Variant Classification Sherloc (09022015). Collection method: clinical testing. Allele origin: germline.
Comment: This sequence change replaces isoleucine, which is neutral and non-polar, with threonine, which is neutral and polar, at codon 1472 of the SCN10A protein (p.Ile1472Thr). This variant is present in population databases (no rsID available, gnomAD 0.001%). This variant has not been reported in the literature in individuals affected with SCN10A-related conditions. ClinVar contains an entry for this variant (Variation ID: 1414954). Invitae Evidence Modeling of protein sequence and biophysical properties (such as structural, functional, and spatial information, amino acid conservation, physicochemical variation, residue mobility, and thermodynamic stability) indicates that this missense variant is not expected to disrupt SCN10A protein function with a negative predictive value of 80%. In summary, the available evidence is currently insufficient to determine the role of this variant in disease. Therefore, it has been classified as a Variant of Uncertain Significance.

Ambry Genetics
Classification: Uncertain significance for Cardiovascular phenotype. Last evaluated: 2025-01-21. Review status: criteria provided, single submitter. Criteria: Ambry Variant Classification Scheme 2023. Collection method: clinical testing. Allele origin: germline.

NM_006514.4(SCN10A):c.4415T>C (p.Ile1472Thr)

Gene: SCN10A (sodium voltage-gated channel alpha subunit 10; minus strand). Cytogenetic location: 3p22.2.
Variant type: single nucleotide variant.
Coding change: c.4415T>C on transcript NM_006514.4 (MANE Select); coding-DNA position 4415, T replaced by C.
Protein change: p.Ile1472Thr; replaces isoleucine 1472 with threonine.
Molecular consequence: missense variant.
Genome position (GRCh38, 1-based): chr3:38,702,081, A>G on the plus strand (T>C on the coding strand, the complement: SCN10A is on the minus strand). VCF-style: chr3-38702081-A-G. GRCh37 (hg19) VCF-style: chr3-38743572-A-G.
Other names: c.4412T>C, p.Ile1471Thr (NM_001293306.2); c.4121T>C, p.Ile1374Thr (NM_001293307.2); short protein forms I1471T, I1374T, I1472T.
Identifiers: ClinVar variation 1414954 (VCV001414954.9), dbSNP rs1286314604, ClinGen allele CA352147180.